The following is an entry in ClinVar:

ClinVar aggregate classification (germline): Conflicting classifications of pathogenicity. Review status: criteria provided, conflicting classifications (1 of 4 stars). 4 submissions from 4 submitters: Pathogenic (1); Likely pathogenic (2); Uncertain significance (1). Last evaluated 2024-11-05.

Conditions:
X-linked Alport syndrome (ATS1). Also called: COL4A5-Related Nephropathy; NEPHROPATHY AND DEAFNESS, X-LINKED. Identifiers: Orphanet 63, Orphanet 88917, MedGen C4746986, MONDO:0010520, OMIM 301050.
Inborn genetic diseases. Identifiers: MedGen C0950123, MeSH D030342.

Allele frequency attached by ClinVar (database versions not stated): gnomAD exomes below 0.00001.
gnomAD v4.1: 1 of 1,209,350 alleles (0.000083%); highest among the groups gnomAD compares: Non-Finnish European, 0.00011%; no homozygotes.

Submissions (4):

Labcorp Genetics (formerly Invitae), Labcorp
Classification: Pathogenic. Last evaluated: 2024-11-05. Review status: criteria provided, single submitter. Criteria: Invitae Variant Classification Sherloc (09022015). Collection method: clinical testing. Allele origin: germline.
Comment: This sequence change replaces glycine, which is neutral and non-polar, with glutamic acid, which is acidic and polar, at codon 412 of the COL4A5 protein (p.Gly412Glu). This variant is not present in population databases (gnomAD no frequency). This missense change has been observed in individuals with COL4A5-related conditions (PMID: 37097554; internal data). ClinVar contains an entry for this variant (Variation ID: 1500867). Invitae Evidence Modeling of protein sequence and biophysical properties (such as structural, functional, and spatial information, amino acid conservation, physicochemical variation, residue mobility, and thermodynamic stability) indicates that this missense variant is expected to disrupt COL4A5 protein function with a positive predictive value of 95%. This variant disrupts the triple helix domain of COL4A5. Glycine residues within the Gly-Xaa-Yaa repeats of the triple helix domain are required for the structure and stability of fibrillar collagens (PMID: 7695699, 8218237, 19344236). In COL4A5, missense variants at these glycine residues are significantly enriched in individuals with disease (PMID: 23720012, 27627812) compared to the general population (ExAC). This variant disrupts the p.Gly412 amino acid residue in COL4A5. Other variant(s) that disrupt this residue have been observed in individuals with COL4A5-related conditions (PMID: 8940267; internal data), which suggests that this may be a clinically significant amino acid residue. For these reasons, this variant has been classified as Pathogenic.

Ambry Genetics
Classification: Uncertain significance for Inborn genetic diseases. Last evaluated: 2024-07-25. Review status: criteria provided, single submitter. Criteria: Ambry Variant Classification Scheme 2023. Collection method: clinical testing. Allele origin: germline.

Fulgent Genetics
Classification: Likely pathogenic for X-linked Alport syndrome. Last evaluated: 2024-02-27. Review status: criteria provided, single submitter. Criteria: ACMG Guidelines, 2015. Collection method: clinical testing. Allele origin: germline.

3billion
Classification: Likely pathogenic for X-linked Alport syndrome. Last evaluated: 2022-09-01. Review status: criteria provided, single submitter. Criteria: ACMG Guidelines, 2015. Collection method: clinical testing. Allele origin: germline. Affected: yes. Observed: 1 heterozygote.
Comment: The variant is not observed in the gnomAD v2.1.1 dataset. It is located in a mutational hot spot and/or well-established functional domain in which established pathogenic variants have been reported. Missense changes are a common disease-causing mechanism. In silico tool predictions suggest damaging effect of the variant on gene or gene product (REVEL: 0.92; 3Cnet: 0.74). Same nucleotide change resulting in same amino acid change has been previously reported to be associated with COL4A5-related disorder (ClinVar ID: VCV001500867). A different missense change at the same codon (p.Gly412Arg) has been reported as pathogenic/likely pathogenic with strong evidence (ClinVar ID: VCV000974386 , VCV001520095). Therefore, this variant is classified as Likely pathogenic according to the recommendation of ACMG/AMP guideline.

Literature cited by the submitters: PubMed 37097554 (cited by Labcorp Genetics (formerly Invitae), Labcorp and Ambry Genetics); PubMed 7695699 (cited by Labcorp Genetics (formerly Invitae), Labcorp); PubMed 8218237 (cited by Labcorp Genetics (formerly Invitae), Labcorp); PubMed 19344236 (cited by Labcorp Genetics (formerly Invitae), Labcorp); PubMed 23720012 (cited by Labcorp Genetics (formerly Invitae), Labcorp); PubMed 27627812 (cited by Labcorp Genetics (formerly Invitae), Labcorp); PubMed 8940267 (cited by Labcorp Genetics (formerly Invitae), Labcorp).

NM_033380.3(COL4A5):c.1235G>A (p.Gly412Glu)

Gene: COL4A5 (collagen type IV alpha 5 chain; plus strand). Cytogenetic location: Xq22.3.
Variant type: single nucleotide variant.
Coding change: c.1235G>A on transcript NM_033380.3 (MANE Select); coding-DNA position 1235, G replaced by A.
Protein change: p.Gly412Glu; replaces glycine 412 with glutamic acid.
Molecular consequence: missense variant.
Genome position (GRCh38, 1-based): chrX:108,591,127, G>A. VCF-style: chrX-108591127-G-A. GRCh37 (hg19) VCF-style: chrX-107834357-G-A.
Other names: c.1235G>A, p.Gly412Glu (NM_000495.5); c.1235G>A (NM_000495.3); short protein forms G412E.
Identifiers: ClinVar variation 1500867 (VCV001500867.12), dbSNP rs104886102, ClinGen allele CA413932564.